The following is an entry in ClinVar:

NM_004655.4(AXIN2):c.1784G>C (p.Arg595Thr)

Gene: AXIN2 (axin 2; minus strand). Cytogenetic location: 17q24.1.
Variant type: single nucleotide variant.
Coding change: c.1784G>C on transcript NM_004655.4 (MANE Select); coding-DNA position 1784, G replaced by C.
Protein change: p.Arg595Thr; replaces arginine 595 with threonine.
Molecular consequence: missense variant. On other transcripts: intron variant (1).
Genome position (GRCh38, 1-based): chr17:65,536,992, C>G on the plus strand (G>C on the coding strand, the complement: AXIN2 is on the minus strand). VCF-style: chr17-65536992-C-G. GRCh37 (hg19) VCF-style: chr17-63533110-C-G.
Other names: c.1712+332G>C (NM_001363813.1); short protein forms R595T.
Identifiers: ClinVar variation 958857 (VCV000958857.12), dbSNP rs2043935377, ClinGen allele CA400676629.

ClinVar aggregate classification (germline): Uncertain significance. Review status: criteria provided, multiple submitters, no conflicts (2 of 4 stars). 2 submissions from 2 submitters: Uncertain significance (2). Last evaluated 2021-05-19.

Conditions:
Hereditary cancer-predisposing syndrome. Also called: Tumor predisposition; Hereditary neoplastic syndrome; Neoplastic Syndromes, Hereditary; Hereditary Cancer Syndrome. Identifiers: Orphanet 140162, MedGen C0027672, MeSH D009386, MONDO:0015356.
Oligodontia-cancer predisposition syndrome. Also called: TOOTH AGENESIS-COLORECTAL CANCER SYNDROME. Identifiers: Orphanet 300576, MedGen C1837750, MONDO:0012075, OMIM 608615. Disease mechanism: loss of function.

Submissions (2):

Ambry Genetics
Classification: Uncertain significance for Hereditary cancer-predisposing syndrome. Last evaluated: 2021-05-19. Review status: criteria provided, single submitter. Criteria: Ambry Variant Classification Scheme 2023. Collection method: clinical testing. Allele origin: germline.
Comment: The p.R595T variant (also known as c.1784G>C), located in coding exon 6 of the AXIN2 gene, results from a G to C substitution at nucleotide position 1784. The arginine at codon 595 is replaced by threonine, an amino acid with similar properties. This amino acid position is not well conserved in available vertebrate species. In addition, this alteration is predicted to be tolerated by in silico analysis. Since supporting evidence is limited at this time, the clinical significance of this alteration remains unclear.

Labcorp Genetics (formerly Invitae), Labcorp
Classification: Uncertain significance for Oligodontia-cancer predisposition syndrome. Last evaluated: 2019-10-29. Review status: criteria provided, single submitter. Criteria: Invitae Variant Classification Sherloc (09022015). Collection method: clinical testing. Allele origin: germline.
Comment: Algorithms developed to predict the effect of missense changes on protein structure and function (SIFT, PolyPhen-2, Align-GVGD) all suggest that this variant is likely to be tolerated, but these predictions have not been confirmed by published functional studies and their clinical significance is uncertain. In summary, the available evidence is currently insufficient to determine the role of this variant in disease. Therefore, it has been classified as a Variant of Uncertain Significance. This variant has not been reported in the literature in individuals with AXIN2-related conditions. This variant is not present in population databases (ExAC no frequency). This sequence change replaces arginine with threonine at codon 595 of the AXIN2 protein (p.Arg595Thr). The arginine residue is weakly conserved and there is a moderate physicochemical difference between arginine and threonine.